The following is an entry in ClinVar:

ClinVar aggregate classification (germline): Uncertain significance (1 of 4 stars; one submission).

Conditions:
Autosomal dominant nonsyndromic hearing loss 4A. Also called: Deafness, autosomal dominant 4A. Identifiers: Orphanet 90635, MedGen C1833503, MONDO:0010915, OMIM 600652.

gnomAD v4.1: 5 of 1,533,598 alleles (0.00033%); highest among the groups gnomAD compares: African/African-American, 0.0014%; no homozygotes.

Submission:

Laboratory of Prof. Karen Avraham, Tel Aviv University
Classification: Uncertain significance for Autosomal dominant nonsyndromic hearing loss 4A. Last evaluated: 2026-01-12. Review status: criteria provided, single submitter. Criteria: ACMG Guidelines, 2015. Collection method: research. Allele origin: germline. Inheritance: Autosomal dominant inheritance. Affected: yes. Observed: 1 heterozygote.
Comment: MYH14 is a known hearing loss–associated gene. The variant is extremely rare in gnomAD and is predicted to be deleterious by in silico tools; however, in the absence of segregation data, it was classified as a variant of uncertain significance (VUS).

NM_001145809.2(MYH14):c.3679C>T (p.Arg1227Trp)

Gene: MYH14 (myosin heavy chain 14; plus strand). Cytogenetic location: 19q13.33.
Variant type: single nucleotide variant.
Coding change: c.3679C>T on transcript NM_001145809.2 (MANE Select); coding-DNA position 3679, C replaced by T.
Protein change: p.Arg1227Trp; replaces arginine 1227 with tryptophan.
Molecular consequence: missense variant.
Genome position (GRCh38, 1-based): chr19:50,276,202, C>T. VCF-style: chr19-50276202-C-T. GRCh37 (hg19) VCF-style: chr19-50779459-C-T.
Other names: c.3580C>T, p.Arg1194Trp (NM_001077186.2); c.3556C>T, p.Arg1186Trp (NM_024729.4); short protein forms R1186W, R1194W, R1227W.
Identifiers: ClinVar variation 4685532 (VCV004685532.1).